The following is an entry in ClinVar:

NM_006206.6(PDGFRA):c.1006G>A (p.Val336Ile)

Gene: PDGFRA (platelet derived growth factor receptor alpha; plus strand). Cytogenetic location: 4q12.
Variant type: single nucleotide variant.
Coding change: c.1006G>A on transcript NM_006206.6 (MANE Select); coding-DNA position 1006, G replaced by A.
Protein change: p.Val336Ile; replaces valine 336 with isoleucine.
Molecular consequence: missense variant.
Genome position (GRCh38, 1-based): chr4:54,267,626, G>A. VCF-style: chr4-54267626-G-A. GRCh37 (hg19) VCF-style: chr4-55133793-G-A.
Other names: c.1006G>A, p.Val336Ile (NM_001347827.2, NM_001347829.2); c.1081G>A, p.Val361Ile (NM_001347828.2); c.1045G>A, p.Val349Ile (NM_001347830.2); short protein forms V336I, V361I, V349I.
Identifiers: ClinVar variation 4133991 (VCV004133991.1).

ClinVar aggregate classification (germline): Uncertain significance (1 of 4 stars; one submission).

Conditions:
Hereditary cancer-predisposing syndrome. Also called: Hereditary neoplastic syndrome; Neoplastic Syndromes, Hereditary; Tumor predisposition; Hereditary Cancer Syndrome. Identifiers: Orphanet 140162, MedGen C0027672, MeSH D009386, MONDO:0015356.

Submission:

Ambry Genetics
Classification: Uncertain significance for Hereditary cancer-predisposing syndrome. Last evaluated: 2025-07-17. Review status: criteria provided, single submitter. Criteria: Ambry Variant Classification Scheme 2023. Collection method: clinical testing. Allele origin: germline.
Comment: The p.V336I variant (also known as c.1006G>A), located in coding exon 6 of the PDGFRA gene, results from a G to A substitution at nucleotide position 1006. The valine at codon 336 is replaced by isoleucine, an amino acid with highly similar properties. This amino acid position is conserved. In addition, this alteration is predicted to be tolerated by in silico analysis. Based on the available evidence, the clinical significance of this variant remains unclear.